The following is an entry in ClinVar:

NC_000017.10:g.(?_6441287)_(6538423_?)del

Genes: KIAA0753 (KIAA0753; minus strand), PITPNM3 (PITPNM family member 3; minus strand). Cytogenetic location: 17p13.2-13.1.
Variant type: Deletion.
Identifiers: ClinVar variation 2426960 (VCV002426960.4).

ClinVar aggregate classification (germline): Uncertain significance (1 of 4 stars; one submission).

Submission:

Labcorp Genetics (formerly Invitae), Labcorp
Classification: Uncertain significance. Last evaluated: 2022-07-05. Review status: criteria provided, single submitter. Criteria: Invitae Variant Classification Sherloc (09022015). Collection method: clinical testing. Allele origin: germline.
Comment: In summary, the available evidence is currently insufficient to determine the role of this variant in disease. Therefore, it has been classified as a Variant of Uncertain Significance. This variant has not been reported in the literature in individuals affected with PITPNM3-related conditions. This variant is a gross deletion of the genomic region encompassing exon(s) 1-2 of the PITPNM3 gene, which includes the initiator codon. This deletion extends beyond the assayed region for this gene and therefore may encompass additional genes. It is expected to result in an absent or disrupted protein product. However, the current clinical and genetic evidence is not sufficient to establish whether loss-of-function variants in PITPNM3 cause disease.